The following is an entry in ClinVar:

ClinVar aggregate classification (germline): Uncertain significance. Review status: criteria provided, multiple submitters, no conflicts (2 of 4 stars). 2 submissions from 2 submitters: Uncertain significance (2). Last evaluated 2023-10-04.

Conditions:
Cardiovascular phenotype. Identifiers: MedGen CN230736.
Hereditary cancer-predisposing syndrome. Also called: Tumor predisposition; Neoplastic Syndromes, Hereditary; Hereditary Cancer Syndrome; Hereditary neoplastic syndrome. Identifiers: Orphanet 140162, MedGen C0027672, MeSH D009386, MONDO:0015356.
Neurofibromatosis, type 1 (NF1). Also called: NEUROFIBROMATOSIS, TYPE I, SOMATIC; Neurofibromatosis, type I; VON RECKLINGHAUSEN DISEASE; Peripheral type neurofibromatosis. Identifiers: Orphanet 636, MedGen C0027831, MONDO:0018975, OMIM 162200. Disease mechanism: loss of function.

Submissions (2):

Labcorp Genetics (formerly Invitae), Labcorp
Classification: Uncertain significance for Neurofibromatosis, type 1. Last evaluated: 2023-10-04. Review status: criteria provided, single submitter. Criteria: Invitae Variant Classification Sherloc (09022015). Collection method: clinical testing. Allele origin: germline.
Comment: This sequence change replaces glutamine, which is neutral and polar, with arginine, which is basic and polar, at codon 20 of the NF1 protein (p.Gln20Arg). This variant is not present in population databases (gnomAD no frequency). This variant has not been reported in the literature in individuals affected with NF1-related conditions. ClinVar contains an entry for this variant (Variation ID: 1062479). An algorithm developed to predict the effect of missense changes on protein structure and function (PolyPhen-2) suggests that this variant is likely to be tolerated. This variant disrupts the p.Gln20 amino acid residue in NF1. Other variant(s) that disrupt this residue have been determined to be pathogenic (PMID: 31370276; Invitae). This suggests that this residue is clinically significant, and that variants that disrupt this residue are likely to be disease-causing. In summary, the available evidence is currently insufficient to determine the role of this variant in disease. Therefore, it has been classified as a Variant of Uncertain Significance.

Ambry Genetics
Classification: Uncertain significance for Cardiovascular phenotype; Hereditary cancer-predisposing syndrome. Last evaluated: 2022-12-15. Review status: criteria provided, single submitter. Criteria: Ambry Variant Classification Scheme 2023. Collection method: clinical testing. Allele origin: germline.
Comment: The p.Q20R variant (also known as c.59A>G), located in coding exon 1 of the NF1 gene, results from an A to G substitution at nucleotide position 59. The glutamine at codon 20 is replaced by arginine, an amino acid with highly similar properties. This amino acid position is highly conserved in available vertebrate species. In addition, this alteration is predicted to be tolerated by in silico analysis. Since supporting evidence is limited at this time, the clinical significance of this alteration remains unclear.

Literature cited by the submitters: PubMed 31370276 (cited by Labcorp Genetics (formerly Invitae), Labcorp).

NM_001042492.3(NF1):c.59A>G (p.Gln20Arg)

Genes: MIR4733HG (MIR4733 host gene; minus strand), NF1 (neurofibromin 1; plus strand), LOC111811965 (NF1 (neurofibromin 1) promoter region; plus strand). Cytogenetic location: 17q11.2.
Variant type: single nucleotide variant.
Coding change: c.59A>G on transcript NM_001042492.3 (MANE Select); coding-DNA position 59, A replaced by G.
Protein change: p.Gln20Arg; replaces glutamine 20 with arginine.
Molecular consequence: missense variant. On other transcripts: non-coding transcript variant (1).
Genome position (GRCh38, 1-based): chr17:31,095,368, A>G. VCF-style: chr17-31095368-A-G. GRCh37 (hg19) VCF-style: chr17-29422386-A-G.
Other names: c.59A>G, p.Gln20Arg (NM_000267.4, NM_001128147.3); short protein forms Q20R.
Identifiers: ClinVar variation 1062479 (VCV001062479.7), dbSNP rs1598173901, ClinGen allele CA398979437.